The following is an entry in ClinVar:

NM_005359.6(SMAD4):c.832C>T (p.Pro278Ser)

Gene: SMAD4 (SMAD family member 4; plus strand). Cytogenetic location: 18q21.2.
Variant type: single nucleotide variant.
Coding change: c.832C>T on transcript NM_005359.6 (MANE Select); coding-DNA position 832, C replaced by T.
Protein change: p.Pro278Ser; replaces proline 278 with serine.
Molecular consequence: missense variant. On other transcripts: non-coding transcript variant (2).
Genome position (GRCh38, 1-based): chr18:51,058,384, C>T. VCF-style: chr18-51058384-C-T. GRCh37 (hg19) VCF-style: chr18-48584754-C-T.
Other names: c.832C>T, p.Pro278Ser (NM_001407041.1, NM_001407042.1, NM_001407043.1); short protein forms P278S.
Identifiers: ClinVar variation 3364031 (VCV003364031.1).

ClinVar aggregate classification (germline): Uncertain significance (1 of 4 stars; one submission).

Submission:

GeneDx
Classification: Uncertain significance. Last evaluated: 2023-11-08. Review status: criteria provided, single submitter. Criteria: GeneDx Variant Classification Process June 2021. Collection method: clinical testing. Allele origin: germline. Affected: yes.
Comment: Not observed at significant frequency in large population cohorts (gnomAD); In silico analysis supports that this missense variant does not alter protein structure/function; Has not been previously published as pathogenic or benign to our knowledge; This variant is associated with the following publications: (PMID: 10636916)